The following is an entry in ClinVar:

NM_012123.4(MTO1):c.122T>G (p.Val41Gly)

Gene: MTO1 (mitochondrial tRNA translation optimization 1; plus strand). Cytogenetic location: 6q13.
Variant type: single nucleotide variant.
Coding change: c.122T>G on transcript NM_012123.4 (MANE Select); coding-DNA position 122, T replaced by G.
Protein change: p.Val41Gly; replaces valine 41 with glycine.
Molecular consequence: missense variant.
Genome position (GRCh38, 1-based): chr6:73,461,976, T>G. VCF-style: chr6-73461976-T-G. GRCh37 (hg19) VCF-style: chr6-74171699-T-G.
Other names: c.122T>G, p.Val41Gly (NM_001123226.2, NM_133645.3); short protein forms V41G.
Identifiers: ClinVar variation 1491519 (VCV001491519.6), dbSNP rs1770831602, ClinGen allele CA364711942.

ClinVar aggregate classification (germline): Uncertain significance (1 of 4 stars; one submission).

Conditions:
Mitochondrial hypertrophic cardiomyopathy with lactic acidosis due to MTO1 deficiency. Also called: CARDIOMYOPATHY, INFANTILE HYPERTROPHIC MITOCHONDRIAL, AND LACTIC ACIDOSIS; Combined oxidative phosphorylation deficiency 10. Identifiers: Orphanet 314637, MedGen C4749921, MONDO:0013865, OMIM 614702.

Allele frequency attached by ClinVar (database versions not stated): gnomAD exomes below 0.00001.
gnomAD v4.1: 5 of 1,614,172 alleles (0.00031%); highest among the groups gnomAD compares: Non-Finnish European, 0.00042%; no homozygotes.

Submission:

Labcorp Genetics (formerly Invitae), Labcorp
Classification: Uncertain significance for Mitochondrial hypertrophic cardiomyopathy with lactic acidosis due to MTO1 deficiency. Last evaluated: 2021-10-04. Review status: criteria provided, single submitter. Criteria: Invitae Variant Classification Sherloc (09022015). Collection method: clinical testing. Allele origin: germline.
Comment: This missense change has been observed in individual(s) with autosomal recessive MTO1-related conditions (PMID: 29331171). In summary, the available evidence is currently insufficient to determine the role of this variant in disease. Therefore, it has been classified as a Variant of Uncertain Significance. Algorithms developed to predict the effect of missense changes on protein structure and function are either unavailable or do not agree on the potential impact of this missense change (SIFT: "Deleterious"; PolyPhen-2: "Probably Damaging"; Align-GVGD: "Class C0"). This variant is not present in population databases (ExAC no frequency). This sequence change replaces valine with glycine at codon 41 of the MTO1 protein (p.Val41Gly). The valine residue is highly conserved and there is a moderate physicochemical difference between valine and glycine.

Literature cited by the submitters: PubMed 29331171.